The following is an entry in ClinVar:

ClinVar aggregate classification (germline): Uncertain significance (1 of 4 stars; one submission).

gnomAD v4.1: 3 of 1,612,984 alleles (0.00019%); highest among the groups gnomAD compares: Non-Finnish European, 0.00025%; no homozygotes.

Submission:

Labcorp Genetics (formerly Invitae), Labcorp
Classification: Uncertain significance. Last evaluated: 2024-08-21. Review status: criteria provided, single submitter. Criteria: Invitae Variant Classification Sherloc (09022015). Collection method: clinical testing. Allele origin: germline.
Comment: This sequence change replaces lysine, which is basic and polar, with glutamic acid, which is acidic and polar, at codon 1058 of the ITGAM protein (p.Lys1058Glu). This variant is present in population databases (no rsID available, gnomAD 0.0009%). This variant has not been reported in the literature in individuals affected with ITGAM-related conditions. An algorithm developed to predict the effect of missense changes on protein structure and function (PolyPhen-2) suggests that this variant is likely to be tolerated. In summary, the available evidence is currently insufficient to determine the role of this variant in disease. Therefore, it has been classified as a Variant of Uncertain Significance.

NM_000632.4(ITGAM):c.3172A>G (p.Lys1058Glu)

Gene: ITGAM (integrin subunit alpha M; plus strand). Cytogenetic location: 16p11.2.
Variant type: single nucleotide variant.
Coding change: c.3172A>G on transcript NM_000632.4 (MANE Select); coding-DNA position 3172, A replaced by G.
Protein change: p.Lys1058Glu; replaces lysine 1058 with glutamic acid.
Molecular consequence: missense variant.
Genome position (GRCh38, 1-based): chr16:31,330,419, A>G. VCF-style: chr16-31330419-A-G. GRCh37 (hg19) VCF-style: chr16-31341740-A-G.
Other names: c.3175A>G, p.Lys1059Glu (NM_001145808.2); short protein forms K1059E, K1058E.
Identifiers: ClinVar variation 3663230 (VCV003663230.2).